The following is an entry in ClinVar:

NM_001283009.2(RTEL1):c.3877C>T (p.Gln1293Ter)

Genes: RTEL1 (regulator of telomere elongation helicase 1; plus strand), RTEL1-TNFRSF6B (RTEL1-TNFRSF6B readthrough (NMD candidate); plus strand). Cytogenetic location: 20q13.33.
Variant type: single nucleotide variant.
Coding change: c.3877C>T on transcript NM_001283009.2 (MANE Select); coding-DNA position 3877, C replaced by T.
Protein change: p.Gln1293Ter; replaces glutamine 1293 with a stop codon.
Molecular consequence: nonsense. On other transcripts: non-coding transcript variant (1), 3 prime UTR variant (3).
Genome position (GRCh38, 1-based): chr20:63,695,832, C>T. VCF-style: chr20-63695832-C-T. GRCh37 (hg19) VCF-style: chr20-62327185-C-T.
Other names: c.3877C>T (NM_001283009.1); c.*47C>T (NM_001283010.1, NM_016434.4, NM_032957.5); short protein forms Q1293*.
Identifiers: ClinVar variation 3761136 (VCV003761136.3).

ClinVar aggregate classification (germline): Uncertain significance. Review status: criteria provided, multiple submitters, no conflicts (2 of 4 stars). 2 submissions from 2 submitters: Uncertain significance (2). Last evaluated 2025-12-24.

Conditions:
Pulmonary fibrosis and/or bone marrow failure, Telomere-related, 3. Also called: PULMONARY FIBROSIS AND/OR BONE MARROW FAILURE SYNDROME, TELOMERE-RELATED, 3. Identifiers: Orphanet 2032, MedGen C4225346, MONDO:0014613, OMIM 616373.
Dyskeratosis congenita, autosomal recessive 5 (DKCB5). Identifiers: MedGen C3554656, MONDO:0014076, OMIM 615190.
RTEL1-related disorder. Also called: RTEL1-related disorders; RTEL1-related condition.

gnomAD v4.1: 1 of 1,598,138 alleles (0.000063%); highest among the groups gnomAD compares: Non-Finnish European, 0.000085%; no homozygotes.

Submissions (2):

PreventionGenetics, part of Exact Sciences
Classification: Uncertain significance for RTEL1-related condition. Last evaluated: 2025-12-24. Review status: criteria provided, single submitter. Criteria: ACMG Guidelines, 2015. Collection method: clinical testing. Allele origin: germline.
Comment: The RTEL1 c.3877C>T variant is predicted to result in premature protein termination (p.Gln1293*). This variant resides in the final exon of this gene, and it is unclear if the resulting mRNA would undergo nonsense-mediated decay. This variant also corresponds to a post-coding position in an alternate transcript for this gene (NM_032957.5:c.*47C>T). To our knowledge, this variant has not been reported in the literature or in a large population database (gnomAD), indicating this variant is rare. Although we suspect that this variant may be pathogenic, at this time, the clinical significance of this variant is uncertain due to the absence of conclusive functional and genetic evidence.

Labcorp Genetics (formerly Invitae), Labcorp
Classification: Uncertain significance for Dyskeratosis congenita, autosomal recessive 5; Pulmonary fibrosis and/or bone marrow failure, Telomere-related, 3. Last evaluated: 2025-01-13. Review status: criteria provided, single submitter. Criteria: Invitae Variant Classification Sherloc (09022015). Collection method: clinical testing. Allele origin: germline.
Comment: This sequence change creates a premature translational stop signal (p.Gln1293*) in the RTEL1 gene. While this is not anticipated to result in nonsense mediated decay, it is expected to disrupt the last 8 amino acid(s) of the RTEL1 protein. This variant is not present in population databases (gnomAD no frequency). This variant has not been reported in the literature in individuals affected with RTEL1-related conditions. Algorithms developed to predict the effect of sequence changes on RNA splicing suggest that this variant may disrupt the consensus splice site. In summary, the available evidence is currently insufficient to determine the role of this variant in disease. Therefore, it has been classified as a Variant of Uncertain Significance.